The following is an entry in ClinVar:

ClinVar aggregate classification (germline): Uncertain significance (1 of 4 stars; one submission).

Conditions:
MYPN-related myopathy (CMYO24). Also called: Nemaline myopathy 11, autosomal recessive. Identifiers: MedGen C4479186, MONDO:0015023, OMIM 617336.
Dilated cardiomyopathy 1KK (CMD1KK). Identifiers: Orphanet 154, Orphanet 75249, MedGen C3714995, MONDO:0014100, OMIM 615248.

Submission:

Labcorp Genetics (formerly Invitae), Labcorp
Classification: Uncertain significance for Dilated cardiomyopathy 1KK. Last evaluated: 2022-06-27. Review status: criteria provided, single submitter. Criteria: Invitae Variant Classification Sherloc (09022015). Collection method: clinical testing. Allele origin: germline.
Comment: In summary, the available evidence is currently insufficient to determine the role of this variant in disease. Therefore, it has been classified as a Variant of Uncertain Significance. Algorithms developed to predict the effect of missense changes on protein structure and function (SIFT, PolyPhen-2, Align-GVGD) all suggest that this variant is likely to be tolerated. This variant has not been reported in the literature in individuals affected with MYPN-related conditions. This variant is not present in population databases (gnomAD no frequency). This sequence change replaces aspartic acid, which is acidic and polar, with valine, which is neutral and non-polar, at codon 249 of the MYPN protein (p.Asp249Val).

NM_032578.4(MYPN):c.746A>T (p.Asp249Val)

Gene: MYPN (myopalladin; plus strand). Cytogenetic location: 10q21.3.
Variant type: single nucleotide variant.
Coding change: c.746A>T on transcript NM_032578.4 (MANE Select); coding-DNA position 746, A replaced by T.
Protein change: p.Asp249Val; replaces aspartic acid 249 with valine.
Molecular consequence: missense variant. On other transcripts: 5 prime UTR variant (1), non-coding transcript variant (1).
Genome position (GRCh38, 1-based): chr10:68,122,184, A>T. VCF-style: chr10-68122184-A-T. GRCh37 (hg19) VCF-style: chr10-69881941-A-T.
Other names: c.746A>T, p.Asp249Val (NM_001256267.2); c.-377A>T (NM_001256268.2); short protein forms D249V.
Identifiers: ClinVar variation 1521934 (VCV001521934.8), dbSNP rs2042254891, ClinGen allele CA377105031.